The following is an entry in ClinVar:

NM_000093.5(COL5A1):c.252C>T (p.Ser84=)

Gene: COL5A1 (collagen type V alpha 1 chain; plus strand). Cytogenetic location: 9q34.3.
Variant type: single nucleotide variant.
Coding change: c.252C>T on transcript NM_000093.5 (MANE Select); coding-DNA position 252, C replaced by T.
Protein change: p.Ser84=; no amino-acid change (serine 84 retained).
Molecular consequence: synonymous variant.
Genome position (GRCh38, 1-based): chr9:134,691,054, C>T. VCF-style: chr9-134691054-C-T. GRCh37 (hg19) VCF-style: chr9-137582900-C-T.
Other names: p.S84S:AGC>AGT; c.252C>T, p.Ser84= (NM_001278074.1).
Identifiers: ClinVar variation 136917 (VCV000136917.24), dbSNP rs151293601, ClinGen allele CA290327.

ClinVar aggregate classification (germline): Benign/Likely benign. Review status: criteria provided, multiple submitters, no conflicts (2 of 4 stars). 8 submissions from 7 submitters: Benign (5); Likely benign (3). Last evaluated 2025-12-01.

Conditions:
Fibromuscular dysplasia, multifocal. Identifiers: MedGen C5543412, MONDO:0859151, OMIM 619329.
Ehlers-Danlos syndrome, classic type (cEDS). Identifiers: Orphanet 287, MedGen C4225429, MONDO:0007522.
Ehlers-Danlos syndrome, classic type, 1 (EDSCL1). Also called: Ehlers-Danlos syndrome, type 1; Ehlers-Danlos Syndrome, Classic Type, COL5A1-Related; EDS I; EHLERS-DANLOS SYNDROME, GRAVIS TYPE; EHLERS-DANLOS SYNDROME, SEVERE CLASSIC TYPE. Identifiers: MedGen C0268335, MONDO:0019567, OMIM 130000.
Familial thoracic aortic aneurysm and aortic dissection (TAAD). Also called: Thoracic aortic aneurysms and dissections. Identifiers: Orphanet 91387, MedGen C4707243, MONDO:0019625.

Allele frequency attached by ClinVar (database versions not stated): 1000 Genomes Project 30x 0.00109; gnomAD 0.00064 and 0.00066; 1000 Genomes Project 0.00100; gnomAD exomes 0.00019 and 0.00006; ESP Exome Variant Server 0.00038; TOPMed 0.00079; ExAC 0.00018.
gnomAD v4.1: 194 of 1,613,492 alleles (0.012%); highest among the groups gnomAD compares: African/African-American, 0.16%; no homozygotes.

Submissions (8):

Labcorp Genetics (formerly Invitae), Labcorp
Classification: Benign for Ehlers-Danlos syndrome, classic type, 1. Last evaluated: 2025-12-01. Review status: criteria provided, single submitter. Criteria: Invitae Variant Classification Sherloc (09022015). Collection method: clinical testing. Allele origin: germline.

ARUP Laboratories, Molecular Genetics and Genomics, ARUP Laboratories
Classification: Likely benign. Last evaluated: 2023-12-20. Review status: criteria provided, single submitter. Criteria: ARUP Molecular Germline Variant Investigation Process 2024. Collection method: clinical testing. Allele origin: germline.

Women's Health and Genetics/Laboratory Corporation of America, LabCorp
Classification: Benign. Last evaluated: 2023-07-21. Review status: criteria provided, single submitter. Criteria: LabCorp Variant Classification Summary - May 2015. Collection method: clinical testing. Allele origin: germline.

Genome-Nilou Lab
Classification: Benign for Ehlers-Danlos syndrome, classic type, 1. Last evaluated: 2022-03-15. Review status: criteria provided, single submitter. Criteria: ACMG Guidelines, 2015. Collection method: clinical testing. Allele origin: germline. Affected: no.

Genome-Nilou Lab
Classification: Benign for Fibromuscular dysplasia, multifocal. Last evaluated: 2022-03-15. Review status: criteria provided, single submitter. Criteria: ACMG Guidelines, 2015. Collection method: clinical testing. Allele origin: germline. Affected: no.

Illumina Laboratory Services, Illumina
Classification: Likely benign for Ehlers-Danlos syndrome, classic type, 1. Last evaluated: 2018-01-12. Review status: criteria provided, single submitter. Criteria: ICSL Variant Classification Criteria 13 December 2019. Collection method: clinical testing. Allele origin: germline.
Comment: This variant was observed in the ICSL laboratory as part of a predisposition screen in an ostensibly healthy population. It had not been previously curated by ICSL or reported in the Human Gene Mutation Database (HGMD: prior to June 1st, 2018), and was therefore a candidate for classification through an automated scoring system. Utilizing variant allele frequency, disease prevalence and penetrance estimates, and inheritance mode, an automated score was calculated to assess if this variant is too frequent to cause the disease. Based on the score and internal cut-off values, a variant classified as likely benign is not then subjected to further curation. The score for this variant resulted in a classification of likely benign for this disease.

Ambry Genetics
Classification: Likely benign for Familial thoracic aortic aneurysm and aortic dissection. Last evaluated: 2017-03-01. Review status: criteria provided, single submitter. Criteria: Ambry Variant Classification Scheme 2023. Collection method: clinical testing. Allele origin: germline.

GeneDx
Classification: Benign. Last evaluated: 2014-05-28. Review status: criteria provided, single submitter. Criteria: GeneDx Variant Classification (06012015). Collection method: clinical testing. Allele origin: germline. Affected: yes.
Comment: This variant is considered likely benign or benign based on one or more of the following criteria: it is a conservative change, it occurs at a poorly conserved position in the protein, it is predicted to be benign by multiple in silico algorithms, and/or has population frequency not consistent with disease.